The following is an entry in ClinVar:

NM_171998.4(RAB39B):c.270C>T (p.Asp90=)

Gene: RAB39B (RAB39B, member RAS oncogene family; minus strand). Cytogenetic location: Xq28.
Variant type: single nucleotide variant.
Coding change: c.270C>T on transcript NM_171998.4 (MANE Select); coding-DNA position 270, C replaced by T.
Protein change: p.Asp90=; no amino-acid change (aspartic acid 90 retained).
Molecular consequence: synonymous variant.
Genome position (GRCh38, 1-based): chrX:155,261,175, G>A on the plus strand (C>T on the coding strand, the complement: RAB39B is on the minus strand). VCF-style: chrX-155261175-G-A. GRCh37 (hg19) VCF-style: chrX-154490460-G-A.
Identifiers: ClinVar variation 1695328 (VCV001695328.31), dbSNP rs370262046, ClinGen allele CA10569223.
Genomic context (GRCh38, chrX:155,261,175, plus strand): 5'-GTGTACTTTGGTCTCTTCTAACCACTCATGGACATTCTGGAAGGACCTGCGGTTGGTAAT[G>A]TCAAATAAGAGAAGACCACCTACTGAGTTCCTGTAGTAGGCGCGAGTGATGGATCTAAAA-3'
Protein context (NP_741995.1, residues 80-100): RNSVGGLLLF[Asp90=]ITNRRSFQNV

ClinVar aggregate classification (germline): Likely benign (1 of 4 stars; one submission).

Allele frequency attached by ClinVar (database versions not stated): gnomAD exomes below 0.00001 and 0.00002; ExAC 0.00002; gnomAD 0.00003 and 0.00004; TOPMed 0.00003; ESP Exome Variant Server 0.00009.
gnomAD v4.1: 5 of 1,207,909 alleles (0.00041%); highest among the groups gnomAD compares: African/African-American, 0.0088%; no homozygotes.

Submission:

CeGaT Center for Human Genetics Tuebingen
Classification: Likely benign. Last evaluated: 2022-05-01. Review status: criteria provided, single submitter. Criteria: CeGaT Center For Human Genetics Tuebingen Variant Classification Criteria Version 2. Collection method: clinical testing. Allele origin: germline. Affected: yes. Observed: 1 variant allele.
Comment: RAB39B: BP4, BP7